The following is an entry in ClinVar:

NM_001374828.1(ARID1B):c.4479+1G>T

Gene: ARID1B (AT-rich interaction domain 1B; plus strand). Cytogenetic location: 6q25.3.
Variant type: single nucleotide variant.
Coding change: c.4479+1G>T on transcript NM_001374828.1 (MANE Select); the canonical splice donor site of the intron after coding-DNA position 4479, G replaced by T.
Molecular consequence: splice donor variant.
Genome position (GRCh38, 1-based): chr6:157,198,908, G>T. VCF-style: chr6-157198908-G-T. GRCh37 (hg19) VCF-style: chr6-157520042-G-T.
Other names: c.4359+1G>T (NM_001371656.1, NM_001374820.1); c.4320+1G>T (NM_017519.3); c.1980+1G>T (NM_001363725.2); c.4110+1G>T (NM_020732.3).
Identifiers: ClinVar variation 931396 (VCV000931396.5), dbSNP rs1554235041, ClinGen allele CA366239931.

ClinVar aggregate classification (germline): Pathogenic. Review status: criteria provided, multiple submitters, no conflicts (2 of 4 stars). 2 submissions from 2 submitters: Pathogenic (2). Last evaluated 2024-10-04.

Conditions:
Coffin-Siris syndrome 1 (CSS1). Also called: Mental retardation, autosomal dominant 12; ARID1B-Related Coffin-Siris Syndrome. Identifiers: Orphanet 1465, MedGen C3281201, MONDO:0007617, OMIM 135900. Disease mechanism: gain of function.

Submissions (2):

Dubai Health Genomic Medicine Center, Dubai Health
Classification: Pathogenic for Coffin-Siris syndrome 1. Last evaluated: 2024-10-04. Review status: criteria provided, single submitter. Criteria: ACMG Guidelines, 2015. Collection method: research. Allele origin: germline. Affected: yes.
Comment: PVS1, PM2, PS2, PM5

Centre for Mendelian Genomics, University Medical Centre Ljubljana
Classification: Pathogenic for Coffin-Siris syndrome 1. Last evaluated: 2016-01-01. Review status: criteria provided, single submitter. Criteria: ACMG Guidelines, 2015. Collection method: clinical testing. Allele origin: unknown. Affected: yes.
Comment: This variant was classified as: Pathogenic. The following ACMG criteria were applied in classifying this variant: PVS1,PM2,PP3.